The following is an entry in ClinVar:

ClinVar aggregate classification (germline): Uncertain significance (1 of 4 stars; one submission).

Conditions:
Severe combined immunodeficiency due to DNA-PKcs deficiency. Also called: IMMUNODEFICIENCY 26 WITH NEUROLOGIC ABNORMALITIES; Immunodeficiency 26 with or without neurologic abnormalities. Identifiers: Orphanet 317425, MedGen C4014833, MONDO:0014423, OMIM 615966.

Submission:

Labcorp Genetics (formerly Invitae), Labcorp
Classification: Uncertain significance for Severe combined immunodeficiency due to DNA-PKcs deficiency. Last evaluated: 2022-08-06. Review status: criteria provided, single submitter. Criteria: Invitae Variant Classification Sherloc (09022015). Collection method: clinical testing. Allele origin: germline.
Comment: In summary, the available evidence is currently insufficient to determine the role of this variant in disease. Therefore, it has been classified as a Variant of Uncertain Significance. This variant has not been reported in the literature in individuals affected with PRKDC-related conditions. This variant results in a copy number gain of the genomic region encompassing exon(s) 1-16 of the PRKDC gene. This region includes the initiator codon of the gene. This copy number gain extends beyond the assayed region for this gene and therefore may encompass additional genes. As the precise location of this event is unknown, it may be in tandem or it may be located elsewhere in the genome.

NC_000008.10:g.(?_48845560)_(48889338_?)dup

Genes: MCM4 (minichromosome maintenance complex component 4; plus strand), PRKDC (protein kinase, DNA-activated, catalytic subunit; minus strand). Cytogenetic location: 8q11.21.
Variant type: Duplication.
Identifiers: ClinVar variation 1450733 (VCV001450733.5).